The following is an entry in ClinVar:

ClinVar aggregate classification (germline): Likely benign. Review status: criteria provided, multiple submitters, no conflicts (2 of 4 stars). 5 submissions from 5 submitters: Likely benign (4). 1 of the submissions does not count toward it. Last evaluated 2025-12-01.

Conditions:
Epilepsy. Also called: Seizure disorder. Identifiers: MedGen C0014544, MeSH D004827, MONDO:0005027.
Inborn genetic diseases. Identifiers: MedGen C0950123, MeSH D030342.
Intellectual disability. Also called: Intellectual developmental disorder; intellectual disabilities; Intellectual functioning disability. Identifiers: MedGen C3714756, MeSH D008607, MONDO:0001071, HP:0001249.

Allele frequency attached by ClinVar (database versions not stated): gnomAD 0.00009; TOPMed 0.00010; ExAC 0.00011; 1000 Genomes Project 30x 0.00031.
gnomAD v4.1: 279 of 1,613,884 alleles (0.017%); highest among the groups gnomAD compares: Middle Eastern, 0.033%; 1 homozygote.

Submissions (5):

CeGaT Center for Human Genetics Tuebingen
Classification: Likely benign. Last evaluated: 2025-12-01. Review status: criteria provided, single submitter. Criteria: CeGaT Center For Human Genetics Tuebingen Variant Classification Criteria Version 2. Collection method: clinical testing. Allele origin: germline. Affected: yes. Observed: 4 variant alleles.
Comment: HIVEP2: BP4, BS1

Labcorp Genetics (formerly Invitae), Labcorp
Classification: Likely benign. Last evaluated: 2025-10-19. Review status: criteria provided, single submitter. Criteria: Invitae Variant Classification Sherloc (09022015). Collection method: clinical testing. Allele origin: germline.

Ambry Genetics
Classification: Likely benign for Inborn genetic diseases. Last evaluated: 2022-06-29. Review status: criteria provided, single submitter. Criteria: Ambry Variant Classification Scheme 2023. Collection method: clinical testing. Allele origin: germline.

Cambridge Genomics Laboratory, East Genomic Laboratory Hub, NHS Genomic Medicine Service
Classification: Likely benign for Epilepsy. Last evaluated: 2020-04-29. Review status: criteria provided, single submitter. Criteria: ACGS Best Practice Guidelines for Variant Classification in Rare Disease 2020. Collection method: clinical testing. Allele origin: germline. Affected: yes. Observed: 1 variant allele.

Centre de Biologie Pathologie Génétique, Centre Hospitalier Universitaire de Lille
Classification: Likely benign for Intellectual disability. Last evaluated: 2019-01-01. Review status: no assertion criteria provided. Collection method: clinical testing. Allele origin: inherited. Affected: yes. Not counted in ClinVar's aggregate classification.

NM_006734.4(HIVEP2):c.6892A>T (p.Thr2298Ser)

Gene: HIVEP2 (HIVEP zinc finger 2; minus strand). Cytogenetic location: 6q24.2.
Variant type: single nucleotide variant.
Coding change: c.6892A>T on transcript NM_006734.4 (MANE Select); coding-DNA position 6892, A replaced by T.
Protein change: p.Thr2298Ser; replaces threonine 2298 with serine.
Molecular consequence: missense variant.
Genome position (GRCh38, 1-based): chr6:142,753,556, T>A on the plus strand (A>T on the coding strand, the complement: HIVEP2 is on the minus strand). VCF-style: chr6-142753556-T-A. GRCh37 (hg19) VCF-style: chr6-143074693-T-A.
Other names: short protein forms T2298S.
Identifiers: ClinVar variation 975715 (VCV000975715.41), dbSNP rs201009823, ClinGen allele CA4027613.